The following is an entry in ClinVar:

NM_004822.3(NTN1):c.611C>G (p.Thr204Ser)

Gene: NTN1 (netrin 1; plus strand). Cytogenetic location: 17p13.1.
Variant type: single nucleotide variant.
Coding change: c.611C>G on transcript NM_004822.3 (MANE Select); coding-DNA position 611, C replaced by G.
Protein change: p.Thr204Ser; replaces threonine 204 with serine.
Molecular consequence: missense variant.
Genome position (GRCh38, 1-based): chr17:9,022,984, C>G. VCF-style: chr17-9022984-C-G. GRCh37 (hg19) VCF-style: chr17-8926301-C-G.
Other names: short protein forms T204S.
Identifiers: ClinVar variation 2367806 (VCV002367806.3), dbSNP rs201736911, ClinGen allele CA8381023.

ClinVar aggregate classification (germline): Conflicting classifications of pathogenicity. Review status: criteria provided, conflicting classifications (1 of 4 stars). 2 submissions from 2 submitters: Uncertain significance (1); Likely benign (1). Last evaluated 2025-01-06.

Conditions:
NTN1-related disorder. Also called: NTN1-related condition.

Allele frequency attached by ClinVar (database versions not stated): gnomAD 0.00023; gnomAD exomes 0.00024; TOPMed 0.00026; ESP Exome Variant Server 0.00038; ExAC 0.00054.
gnomAD v4.1: 389 of 1,610,330 alleles (0.024%); highest among the groups gnomAD compares: Middle Eastern, 0.17%; no homozygotes.

Submissions (2):

PreventionGenetics, part of Exact Sciences
Classification: Likely benign for NTN1-related condition. Last evaluated: 2025-01-06. Review status: criteria provided, single submitter. Criteria: ACMG Guidelines, 2015. Collection method: clinical testing. Allele origin: germline.
Comment: This variant is classified as likely benign based on ACMG/AMP sequence variant interpretation guidelines (Richards et al. 2015 PMID: 25741868, with internal and published modifications).

Ambry Genetics
Classification: Uncertain significance. Last evaluated: 2021-10-18. Review status: criteria provided, single submitter. Criteria: Ambry Variant Classification Scheme 2023. Collection method: clinical testing. Allele origin: germline.